The following is an entry in ClinVar:

NM_031935.3(HMCN1):c.8764C>A (p.Leu2922Ile)

Gene: HMCN1 (hemicentin 1; plus strand). Cytogenetic location: 1q31.1.
Variant type: single nucleotide variant.
Coding change: c.8764C>A on transcript NM_031935.3 (MANE Select); coding-DNA position 8764, C replaced by A.
Protein change: p.Leu2922Ile; replaces leucine 2922 with isoleucine.
Molecular consequence: missense variant.
Genome position (GRCh38, 1-based): chr1:186,081,371, C>A. VCF-style: chr1-186081371-C-A. GRCh37 (hg19) VCF-style: chr1-186050503-C-A.
Other names: short protein forms L2922I.
Identifiers: ClinVar variation 96209 (VCV000096209.36), dbSNP rs200871004, ClinGen allele CA223817.

ClinVar aggregate classification (germline): Conflicting classifications of pathogenicity. Review status: criteria provided, conflicting classifications (1 of 4 stars). 6 submissions from 6 submitters: Uncertain significance (4); Likely benign (2). Last evaluated 2026-06-08.

Conditions:
HMCN1-related disorder. Also called: HMCN1-related condition.
Age related macular degeneration 1 (ARMD1). Also called: MACULOPATHY, AGE-RELATED, 1. Identifiers: MedGen C1864205, MONDO:0011285, OMIM 603075.

Allele frequency attached by ClinVar (database versions not stated): gnomAD exomes 0.00018 and 0.00024; gnomAD 0.00002 and 0.00005; TOPMed 0.00005; ExAC 0.00031; 1000 Genomes Project 0.00020.
gnomAD v4.1: 265 of 1,613,332 alleles (0.016%); highest among the groups gnomAD compares: South Asian, 0.057%; 1 homozygote.

Submissions (6):

PreventionGenetics, part of Exact Sciences
Classification: Likely benign for HMCN1-related condition. Last evaluated: 2026-06-08. Review status: criteria provided, single submitter. Criteria: ACMG Guidelines, 2015. Collection method: clinical testing. Allele origin: germline.
Comment: This variant is classified as likely benign based on ACMG/AMP sequence variant interpretation guidelines (Richards et al. 2015 PMID: 25741868, with internal and published modifications).

Labcorp Genetics (formerly Invitae), Labcorp
Classification: Uncertain significance. Last evaluated: 2025-12-15. Review status: criteria provided, single submitter. Criteria: Invitae Variant Classification Sherloc (09022015). Collection method: clinical testing. Allele origin: germline.
Comment: This sequence change replaces leucine, which is neutral and non-polar, with isoleucine, which is neutral and non-polar, at codon 2922 of the HMCN1 protein (p.Leu2922Ile). This variant is present in population databases (rs200871004, gnomAD 0.06%). This variant has not been reported in the literature in individuals affected with HMCN1-related conditions. ClinVar contains an entry for this variant (Variation ID: 96209). An algorithm developed to predict the effect of missense changes on protein structure and function (PolyPhen-2) suggests that this variant is likely to be tolerated. In summary, the available evidence is currently insufficient to determine the role of this variant in disease. Therefore, it has been classified as a Variant of Uncertain Significance.

Ambry Genetics
Classification: Uncertain significance. Last evaluated: 2025-06-03. Review status: criteria provided, single submitter. Criteria: Ambry Variant Classification Scheme 2023. Collection method: clinical testing. Allele origin: germline.

CeGaT Center for Human Genetics Tuebingen
Classification: Likely benign. Last evaluated: 2023-03-01. Review status: criteria provided, single submitter. Criteria: CeGaT Center For Human Genetics Tuebingen Variant Classification Criteria Version 2. Collection method: clinical testing. Allele origin: germline. Affected: yes. Observed: 1 variant allele.
Comment: HMCN1: BP4

Illumina Laboratory Services, Illumina
Classification: Uncertain significance for Age related macular degeneration 1. Last evaluated: 2018-01-12. Review status: criteria provided, single submitter. Criteria: ICSL Variant Classification Criteria 13 December 2019. Collection method: clinical testing. Allele origin: germline.

Eurofins Ntd Llc (ga)
Classification: Uncertain significance. Last evaluated: 2013-10-02. Review status: criteria provided, single submitter. Criteria: EGL Classification Definitions 2015. Collection method: clinical testing. Allele origin: germline. Observed: 1 variant allele, 1 heterozygote.